The following is an entry in ClinVar:

ClinVar aggregate classification (germline): Uncertain significance (1 of 4 stars; one submission).

Conditions:
Myopathy, centronuclear, 2 (CNM2). Also called: MYOTUBULAR MYOPATHY, AUTOSOMAL RECESSIVE. Identifiers: Orphanet 169186, MedGen CN031787, MONDO:0009709, OMIM 255200.

gnomAD v4.1: 8 of 1,600,976 alleles (0.0005%); highest among the groups gnomAD compares: Non-Finnish European, 0.0006%; no homozygotes.

Submission:

Labcorp Genetics (formerly Invitae), Labcorp
Classification: Uncertain significance for Myopathy, centronuclear, 2. Last evaluated: 2022-03-29. Review status: criteria provided, single submitter. Criteria: Invitae Variant Classification Sherloc (09022015). Collection method: clinical testing. Allele origin: germline.
Comment: Variants that disrupt the consensus splice site are a relatively common cause of aberrant splicing (PMID: 17576681, 9536098). Algorithms developed to predict the effect of sequence changes on RNA splicing suggest that this variant is not likely to affect RNA splicing. This variant has not been reported in the literature in individuals affected with BIN1-related conditions. The frequency data for this variant in the population databases is considered unreliable, as metrics indicate poor data quality at this position in the gnomAD database. This sequence change falls in intron 1 of the BIN1 gene. It does not directly change the encoded amino acid sequence of the BIN1 protein. It affects a nucleotide within the consensus splice site. In summary, the available evidence is currently insufficient to determine the role of this variant in disease. Therefore, it has been classified as a Variant of Uncertain Significance.

Literature cited by the submitters: PubMed 17576681; PubMed 9536098.

NM_139343.3(BIN1):c.84+6C>A

Gene: BIN1 (bridging integrator 1; minus strand). Cytogenetic location: 2q14.3.
Variant type: single nucleotide variant.
Coding change: c.84+6C>A on transcript NM_139343.3 (MANE Select); 6 bases into the intron after coding-DNA position 84, C replaced by A.
Molecular consequence: intron variant.
Genome position (GRCh38, 1-based): chr2:127,106,854, G>T on the plus strand (C>A on the coding strand, the complement: BIN1 is on the minus strand). VCF-style: chr2-127106854-G-T. GRCh37 (hg19) VCF-style: chr2-127864430-G-T.
Other names: c.84+6C>A (NM_139351.3, NM_139350.3, NM_139349.3 and 10 more transcripts).
Identifiers: ClinVar variation 2039720 (VCV002039720.4), dbSNP rs766185851, ClinGen allele CA1857622.